The following is an entry in ClinVar:

NM_012210.4(TRIM32):c.1648T>C (p.Phe550Leu)

Genes: ASTN2 (astrotactin 2; minus strand), TRIM32 (tripartite motif containing 32; plus strand). Cytogenetic location: 9q33.1.
Variant type: single nucleotide variant.
Coding change: c.1648T>C on transcript NM_012210.4 (MANE Select); coding-DNA position 1648, T replaced by C.
Protein change: p.Phe550Leu; replaces phenylalanine 550 with leucine.
Molecular consequence: missense variant. On other transcripts: intron variant (3).
Genome position (GRCh38, 1-based): chr9:116,699,390, T>C. VCF-style: chr9-116699390-T-C. GRCh37 (hg19) VCF-style: chr9-119461669-T-C.
Other names: c.1648T>C, p.Phe550Leu (NM_001099679.2, NM_001379048.1, NM_001379049.1 and 1 more transcripts); c.2653+26381A>G (NM_014010.5); c.2794+26381A>G (NM_001365069.1); c.2806+26381A>G (NM_001365068.1); short protein forms F550L.
Identifiers: ClinVar variation 288854 (VCV000288854.20), dbSNP rs752860146, ClinGen allele CA5211187.

ClinVar aggregate classification (germline): Uncertain significance. Review status: criteria provided, multiple submitters, no conflicts (2 of 4 stars). 6 submissions from 6 submitters: Uncertain significance (6). Last evaluated 2025-04-14.

Conditions:
Inborn genetic diseases. Identifiers: MedGen C0950123, MeSH D030342.
Bardet-Biedl syndrome (BBS). Identifiers: Orphanet 110, MedGen C0752166, MONDO:0015229.
Sarcotubular myopathy (LGMDR8). Also called: Hutterite type of muscular dystrophy; Limb-girdle muscular dystrophy, type 2H; MUSCULAR DYSTROPHY, LIMB-GIRDLE, AUTOSOMAL RECESSIVE 8; Autosomal recessive limb-girdle muscular dystrophy type 2H. Identifiers: Orphanet 1878, MedGen C0270968, MONDO:0009683, OMIM 254110.
Bardet-Biedl syndrome 11 (BBS11). Identifiers: Orphanet 110, MedGen C1859569, MONDO:0014439, OMIM 615988.

Allele frequency attached by ClinVar (database versions not stated): gnomAD exomes 0.00003 and 0.00001; TOPMed 0.00004; gnomAD 0.00003; ExAC 0.00001.
gnomAD v4.1: 50 of 1,614,032 alleles (0.0031%); highest among the groups gnomAD compares: Non-Finnish European, 0.0042%; no homozygotes.

Submissions (6):

Labcorp Genetics (formerly Invitae), Labcorp
Classification: Uncertain significance for Bardet-Biedl syndrome. Last evaluated: 2025-04-14. Review status: criteria provided, single submitter. Criteria: Invitae Variant Classification Sherloc (09022015). Collection method: clinical testing. Allele origin: germline.
Comment: This sequence change replaces phenylalanine, which is neutral and non-polar, with leucine, which is neutral and non-polar, at codon 550 of the TRIM32 protein (p.Phe550Leu). This variant is present in population databases (rs752860146, gnomAD 0.003%). This variant has not been reported in the literature in individuals affected with TRIM32-related conditions. ClinVar contains an entry for this variant (Variation ID: 288854). An algorithm developed to predict the effect of missense changes on protein structure and function (PolyPhen-2) suggests that this variant is likely to be disruptive. In summary, the available evidence is currently insufficient to determine the role of this variant in disease. Therefore, it has been classified as a Variant of Uncertain Significance.

Fulgent Genetics
Classification: Uncertain significance for Sarcotubular myopathy; Bardet-Biedl syndrome 11. Last evaluated: 2024-04-11. Review status: criteria provided, single submitter. Criteria: ACMG Guidelines, 2015. Collection method: clinical testing. Allele origin: germline.

Revvity Omics, Revvity
Classification: Uncertain significance. Last evaluated: 2022-12-05. Review status: criteria provided, single submitter. Criteria: ACMG Guidelines, 2015. Collection method: clinical testing. Allele origin: germline.

Ambry Genetics
Classification: Uncertain significance for Inborn genetic diseases. Last evaluated: 2021-06-18. Review status: criteria provided, single submitter. Criteria: Ambry Variant Classification Scheme 2023. Collection method: clinical testing. Allele origin: germline.

Broad Center for Mendelian Genomics, Broad Institute of MIT and Harvard
Classification: Uncertain significance for Sarcotubular myopathy. Last evaluated: 2018-12-03. Review status: criteria provided, single submitter. Criteria: ACMG Guidelines, 2015. Collection method: research. Allele origin: germline. Inheritance: Autosomal recessive inheritance. Affected: yes.
Comment: This variant has been identified in 0.002690% (3/111516) of European (non-Finnish) chromosomes by the Genome Aggregation Database (gnomAD; dbSNP rs121434447). Although this variant has been seen in the general population, its frequency is low enough to be consistent with a recessive carrier frequency. Computational prediction tools and conservation analyses do not provide strong support for or against an impact to the protein. In summary, the clinical significance of the p.Phe550Leu is uncertain. ACMG/AMP Criteria applied: PM2 (Richards 2015).

Eurofins Ntd Llc (ga)
Classification: Uncertain significance. Last evaluated: 2018-08-15. Review status: criteria provided, single submitter. Criteria: EGL ClinVar v180209 classification definitions. Collection method: clinical testing. Allele origin: germline. Observed: 3 variant alleles, 1 heterozygote, 2 homozygotes.